The following is an entry in ClinVar:

NM_004415.4(DSP):c.3096C>T (p.Thr1032=)

Gene: DSP (desmoplakin; plus strand). Cytogenetic location: 6p24.3.
Variant type: single nucleotide variant.
Coding change: c.3096C>T on transcript NM_004415.4 (MANE Select); coding-DNA position 3096, C replaced by T.
Protein change: p.Thr1032=; no amino-acid change (threonine 1032 retained).
Molecular consequence: synonymous variant.
Genome position (GRCh38, 1-based): chr6:7,579,286, C>T. VCF-style: chr6-7579286-C-T. GRCh37 (hg19) VCF-style: chr6-7579519-C-T.
Other names: c.3096C>T (NM_004415.3, LRG_423t1); c.3096C>T, p.Thr1032= (NM_001008844.3, NM_001319034.2).
Identifiers: ClinVar variation 514140 (VCV000514140.18), dbSNP rs139199849, ClinGen allele CA037128.
Genomic context (GRCh38, chr6:7,579,286, plus strand): 5'-GAATGTGAGGTGTTTTTCTTTTGACATAATCTCTGATTTCATTCCACAGCTGAAAAATAC[C>T]AAGATCGAAGTTTTGGAAGAGGAGCTCAGACTGGCCCGAGATGCCAACTCGGAAAACTGT-3'
Protein context (NP_004406.2, residues 1022-1042): KSLEDLKLKN[Thr1032=]KIEVLEEELR

ClinVar aggregate classification (germline): Likely benign. Review status: criteria provided, multiple submitters, no conflicts (2 of 4 stars). 5 submissions from 5 submitters: Likely benign (4). 1 of the submissions does not count toward it. Last evaluated 2026-01-12.

Conditions:
Arrhythmogenic cardiomyopathy with wooly hair and keratoderma. Also called: Dilated cardiomyopathy with woolly hair and keratoderma; Arrhythmogenic cardiomyopathy with woolly hair and keratoderma; Carvajal syndrome; PALMOPLANTAR KERATODERMA WITH LEFT VENTRICULAR CARDIOMYOPATHY AND WOOLLY HAIR. Identifiers: Orphanet 65282, MedGen C1854063, MONDO:0011581, OMIM 605676.
Arrhythmogenic right ventricular dysplasia 8 (ARVD8). Also called: Arrhythmogenic Right Ventricular Dysplasia/Cardiomyopathy 8; ARRHYTHMOGENIC RIGHT VENTRICULAR CARDIOMYOPATHY 8; ARRHYTHMOGENIC RIGHT VENTRICULAR DYSPLASIA, FAMILIAL, 8. Identifiers: MedGen C1843896, MONDO:0011831, OMIM 607450.
DSP-related disorder. Also called: DSP-related condition; DSP-related disorders.
Cardiovascular phenotype. Identifiers: MedGen CN230736.
Cardiomyopathy (CMYO). Also called: Cardiomyopathies. Identifiers: Orphanet 167848, MedGen C0878544, MONDO:0004994, HP:0001638. Inheritance: Various modes of inheritance.

Allele frequency attached by ClinVar (database versions not stated): gnomAD exomes 0.00001 and 0.00003; ExAC 0.00004; gnomAD 0.00008 and 0.00009; TOPMed 0.00009; ESP Exome Variant Server 0.00031.

Submissions (5):

Labcorp Genetics (formerly Invitae), Labcorp
Classification: Likely benign for Arrhythmogenic cardiomyopathy with wooly hair and keratoderma; Arrhythmogenic right ventricular dysplasia 8. Last evaluated: 2026-01-12. Review status: criteria provided, single submitter. Criteria: Invitae Variant Classification Sherloc (09022015). Collection method: clinical testing. Allele origin: germline.

Color Diagnostics, LLC DBA Color Health
Classification: Likely benign for Cardiomyopathy. Last evaluated: 2019-04-26. Review status: criteria provided, single submitter. Criteria: ACMG Guidelines, 2015. Collection method: clinical testing. Allele origin: germline.

GeneDx
Classification: Likely benign. Last evaluated: 2017-12-18. Review status: criteria provided, single submitter. Criteria: GeneDx Variant Classification (06012015). Collection method: clinical testing. Allele origin: germline. Affected: yes.
Comment: This variant is considered likely benign or benign based on one or more of the following criteria: it is a conservative change, it occurs at a poorly conserved position in the protein, it is predicted to be benign by multiple in silico algorithms, and/or has population frequency not consistent with disease.

Ambry Genetics
Classification: Likely benign for Cardiovascular phenotype. Last evaluated: 2017-01-26. Review status: criteria provided, single submitter. Criteria: Ambry Variant Classification Scheme 2023. Collection method: clinical testing. Allele origin: germline.

PreventionGenetics, part of Exact Sciences
Classification: Likely benign for DSP-related condition. Last evaluated: 2019-04-25. Review status: no assertion criteria provided. Collection method: clinical testing. Allele origin: germline. Not counted in ClinVar's aggregate classification.
Comment: This variant is classified as likely benign based on ACMG/AMP sequence variant interpretation guidelines (Richards et al. 2015 PMID: 25741868, with internal and published modifications).